The following is an entry in ClinVar:

NM_004612.4(TGFBR1):c.623A>C (p.Gln208Pro)

Gene: TGFBR1 (transforming growth factor beta receptor 1; plus strand). Cytogenetic location: 9q22.33.
Variant type: single nucleotide variant.
Coding change: c.623A>C on transcript NM_004612.4 (MANE Select); coding-DNA position 623, A replaced by C.
Protein change: p.Gln208Pro; replaces glutamine 208 with proline.
Molecular consequence: missense variant.
Genome position (GRCh38, 1-based): chr9:99,137,907, A>C. VCF-style: chr9-99137907-A-C. GRCh37 (hg19) VCF-style: chr9-101900189-A-C.
Other names: c.392A>C, p.Gln131Pro (NM_001130916.3); c.635A>C, p.Gln212Pro (NM_001306210.2); short protein forms Q208P, Q212P, Q131P.
Identifiers: ClinVar variation 648733 (VCV000648733.9), dbSNP rs1588585291, ClinGen allele CA374229462.

ClinVar aggregate classification (germline): Uncertain significance (1 of 4 stars; one submission).

Conditions:
Familial thoracic aortic aneurysm and aortic dissection (TAAD). Also called: Thoracic aortic aneurysms and dissections. Identifiers: Orphanet 91387, MedGen C4707243, MONDO:0019625.

Submission:

Labcorp Genetics (formerly Invitae), Labcorp
Classification: Uncertain significance for Familial thoracic aortic aneurysm and aortic dissection. Last evaluated: 2022-09-27. Review status: criteria provided, single submitter. Criteria: Invitae Variant Classification Sherloc (09022015). Collection method: clinical testing. Allele origin: germline.
Comment: This sequence change replaces glutamine, which is neutral and polar, with proline, which is neutral and non-polar, at codon 208 of the TGFBR1 protein (p.Gln208Pro). This variant is not present in population databases (gnomAD no frequency). In summary, the available evidence is currently insufficient to determine the role of this variant in disease. Therefore, it has been classified as a Variant of Uncertain Significance. Advanced modeling of protein sequence and biophysical properties (such as structural, functional, and spatial information, amino acid conservation, physicochemical variation, residue mobility, and thermodynamic stability) has been performed at Invitae for this missense variant, however the output from this modeling did not meet the statistical confidence thresholds required to predict the impact of this variant on TGFBR1 protein function. ClinVar contains an entry for this variant (Variation ID: 648733). This variant has not been reported in the literature in individuals affected with TGFBR1-related conditions.